The following is an entry in ClinVar:

NM_001083961.2(WDR62):c.3847C>T (p.Pro1283Ser)

Gene: WDR62 (WD repeat domain 62; plus strand). Cytogenetic location: 19q13.12.
Variant type: single nucleotide variant.
Coding change: c.3847C>T on transcript NM_001083961.2 (MANE Select); coding-DNA position 3847, C replaced by T.
Protein change: p.Pro1283Ser; replaces proline 1283 with serine.
Molecular consequence: missense variant.
Genome position (GRCh38, 1-based): chr19:36,103,675, C>T. VCF-style: chr19-36103675-C-T. GRCh37 (hg19) VCF-style: chr19-36594577-C-T.
Other names: c.3832C>T, p.Pro1278Ser (NM_173636.5); short protein forms P1278S, P1283S.
Identifiers: ClinVar variation 1510078 (VCV001510078.6), dbSNP rs780163501, ClinGen allele CA9396405.
Genomic context (GRCh38, chr19:36,103,675, plus strand): 5'-CAGGAGCTTCAGGCCATCACCACCGCGACAACACCCAGTTTGGACAGTGAGGGCCAAGAG[C>T]CTGCCCTGCGTTCCTGGGGCAACCACGAGGCCCGGGCCAACCTGAGACTGACCCTGTCAA-3'
Protein context (NP_001077430.1, residues 1273-1293): TPSLDSEGQE[Pro1283Ser]ALRSWGNHEA

ClinVar aggregate classification (germline): Uncertain significance (1 of 4 stars; one submission).

Allele frequency attached by ClinVar (database versions not stated): gnomAD exomes below 0.00001; ExAC 0.00001.
gnomAD v4.1: 5 of 1,610,320 alleles (0.00031%); highest among the groups gnomAD compares: Non-Finnish European, 0.00042%; no homozygotes.

Submission:

Labcorp Genetics (formerly Invitae), Labcorp
Classification: Uncertain significance. Last evaluated: 2021-08-03. Review status: criteria provided, single submitter. Criteria: Invitae Variant Classification Sherloc (09022015). Collection method: clinical testing. Allele origin: germline.
Comment: In summary, the available evidence is currently insufficient to determine the role of this variant in disease. Therefore, it has been classified as a Variant of Uncertain Significance. Algorithms developed to predict the effect of missense changes on protein structure and function output the following: SIFT: "Tolerated"; PolyPhen-2: "Benign"; Align-GVGD: "Class C0". The serine amino acid residue is found in multiple mammalian species, which suggests that this missense change does not adversely affect protein function. This variant has not been reported in the literature in individuals affected with WDR62-related conditions. This variant is present in population databases (rs780163501, ExAC 0.002%). This sequence change replaces proline with serine at codon 1283 of the WDR62 protein (p.Pro1283Ser). The proline residue is moderately conserved and there is a moderate physicochemical difference between proline and serine.